The following is an entry in ClinVar:

NM_001034853.2(RPGR):c.200TAGGAT[1] (p.67LG[1])

Gene: RPGR (retinitis pigmentosa GTPase regulator; minus strand). Cytogenetic location: Xp11.4.
Variant type: Microsatellite.
Coding change: c.200TAGGAT[1] on transcript NM_001034853.2 (MANE Select); one copy of the 6-base unit TAGGAT starting at c.200; the reference has two copies in a row; one copy, 6 bases deleted.
Protein change: p.67LG[1].
Molecular consequence: inframe deletion. On other transcripts: non-coding transcript variant (6).
Genome position (GRCh38, 1-based): chrX:38,322,889-38,322,894, ATCCTA deleted on the plus strand (TAGGAT on the coding strand, the reverse complement: RPGR is on the minus strand); deleting any 6 consecutive bases within chrX:38,322,889-38,322,901 gives the same sequence; the position shown is the placement nearest the transcript's 3' end. VCF-style (leftmost placement, unchanged base first): chrX-38322888-GATCCTA-G. GRCh37 (hg19) VCF-style: chrX-38182141-GATCCTA-G.
Other names: c.200TAGGAT[1], p.67LG[1] (NM_000328.3, NM_001367245.1, NM_001367246.1 and 4 more transcripts); c.230TAGGAT[1], p.77LG[1] (NM_001367248.1).
Identifiers: ClinVar variation 866237 (VCV000866237.2), dbSNP rs2067975228, ClinGen allele CA916083927.

ClinVar aggregate classification (germline): Uncertain significance. Review status: criteria provided, single submitter (1 of 4 stars). 2 submissions from 1 submitter: Uncertain significance (1). 1 of the submissions does not count toward it. Last evaluated 2018-12-13.

Conditions:
Retinitis pigmentosa 3. Also called: CHOROIDORETINAL DEGENERATION WITH RETINAL REFLEX IN HETEROZYGOUS WOMEN. Identifiers: Orphanet 791, MedGen C1845667, MONDO:0010227, OMIM 300029.
Retinal dystrophy. Also called: Inherited retinal dystrophy. Identifiers: Orphanet 71862, MedGen C0854723, MeSH D058499, MONDO:0019118, HP:0000556.

Submissions (2):

Blueprint Genetics
Classification: Uncertain significance for Retinal dystrophy. Last evaluated: 2018-12-13. Review status: criteria provided, single submitter. Criteria: Blueprint Genetics Variant Classification Scheme. Collection method: clinical testing. Allele origin: germline. Affected: yes.

Blueprint Genetics
Classification: Uncertain significance for Retinitis pigmentosa 3. Review status: no assertion criteria provided. Collection method: clinical testing. Allele origin: germline. Affected: yes. Not counted in ClinVar's aggregate classification.